The following is an entry in ClinVar:

ClinVar aggregate classification (germline): Uncertain significance (1 of 4 stars; one submission).

Conditions:
Hereditary cancer-predisposing syndrome. Also called: Tumor predisposition; Neoplastic Syndromes, Hereditary; Hereditary neoplastic syndrome; Hereditary Cancer Syndrome. Identifiers: Orphanet 140162, MedGen C0027672, MeSH D009386, MONDO:0015356.

gnomAD v4.1: 1 of 1,614,086 alleles (0.000062%); highest among the groups gnomAD compares: Non-Finnish European, 0.000085%; no homozygotes.

Submission:

Ambry Genetics
Classification: Uncertain significance for Hereditary cancer-predisposing syndrome. Last evaluated: 2025-08-27. Review status: criteria provided, single submitter. Criteria: Ambry Variant Classification Scheme 2023. Collection method: clinical testing. Allele origin: germline.
Comment: The p.H200R variant (also known as c.599A>G), located in coding exon 8 of the MUTYH gene, results from an A to G substitution at nucleotide position 599. The histidine at codon 200 is replaced by arginine, an amino acid with highly similar properties. This amino acid position is conserved. In addition, this alteration is predicted to be tolerated by in silico analysis. Based on the available evidence, the clinical significance of this variant remains unclear.

NM_001048174.2(MUTYH):c.515A>G (p.His172Arg)

Gene: MUTYH (mutY DNA glycosylase; minus strand). Cytogenetic location: 1p34.1.
Variant type: single nucleotide variant.
Coding change: c.515A>G on transcript NM_001048174.2 (MANE Select); coding-DNA position 515, A replaced by G.
Protein change: p.His172Arg; replaces histidine 172 with arginine.
Molecular consequence: missense variant. On other transcripts: non-coding transcript variant (7).
Genome position (GRCh38, 1-based): chr1:45,332,665, T>C on the plus strand (A>G on the coding strand, the complement: MUTYH is on the minus strand). VCF-style: chr1-45332665-T-C. GRCh37 (hg19) VCF-style: chr1-45798337-T-C.
Other names: c.557A>G, p.His186Arg (NM_001407085.1, NM_001407083.1); c.518A>G, p.His173Arg (NM_001407086.1, NM_001048172.2, NM_001407071.1 and 1 more transcripts); c.536A>G, p.His179Arg (NM_001407087.1); c.515A>G, p.His172Arg (NM_001407088.1, NM_001407089.1, NM_001293195.2 and 6 more transcripts); c.239A>G, p.His80Arg (NM_001407091.1, NM_001293192.2, NM_001293196.2); c.590A>G, p.His197Arg (NM_012222.3); c.599A>G, p.His200Arg (NM_001128425.2); c.560A>G, p.His187Arg (NM_001293190.2); and 5 more; short protein forms H159R, H187R, H57R, H158R, H173R, H200R, H80R, H144R.
Identifiers: ClinVar variation 4112881 (VCV004112881.1).